The following is an entry in ClinVar:

NM_001365536.1(SCN9A):c.5725G>A (p.Val1909Ile)

Genes: SCN9A (sodium voltage-gated channel alpha subunit 9; minus strand), SCN1A-AS1 (SCN1A and SCN9A antisense RNA 1; plus strand). Cytogenetic location: 2q24.3.
Variant type: single nucleotide variant.
Coding change: c.5725G>A on transcript NM_001365536.1 (MANE Select); coding-DNA position 5725, G replaced by A.
Protein change: p.Val1909Ile; replaces valine 1909 with isoleucine.
Molecular consequence: missense variant.
Genome position (GRCh38, 1-based): chr2:166,198,914, C>T on the plus strand (G>A on the coding strand, the complement: SCN9A is on the minus strand). VCF-style: chr2-166198914-C-T. GRCh37 (hg19) VCF-style: chr2-167055424-C-T.
Other names: c.5692G>A, p.Val1898Ile (NM_002977.4); short protein forms V1909I, V1898I.
Identifiers: ClinVar variation 948833 (VCV000948833.11), dbSNP rs1693337035, ClinGen allele CA349051639.

ClinVar aggregate classification (germline): Uncertain significance. Review status: criteria provided, multiple submitters, no conflicts (2 of 4 stars). 2 submissions from 2 submitters: Uncertain significance (2). Last evaluated 2025-07-15.

Conditions:
Generalized epilepsy with febrile seizures plus, type 7 (GEFSP7). Also called: GEFS+, TYPE 7. Identifiers: Orphanet 36387, MedGen C2751778, MONDO:0013470, OMIM 613863.
Neuropathy, hereditary sensory and autonomic, type 2A (HSAN2A). Also called: HSAN IIA; MORVAN DISEASE; NEUROPATHY, CONGENITAL SENSORY; NEUROPATHY, HEREDITARY SENSORY RADICULAR, AUTOSOMAL RECESSIVE; NEUROPATHY, HEREDITARY SENSORY, TYPE IIA; NEUROPATHY, PROGRESSIVE SENSORY, OF CHILDREN. Identifiers: Orphanet 970, MedGen C2752089, MONDO:0024309, OMIM 201300.
Inborn genetic diseases. Identifiers: MedGen C0950123, MeSH D030342.

Submissions (2):

Ambry Genetics
Classification: Uncertain significance for Inborn genetic diseases. Last evaluated: 2025-07-15. Review status: criteria provided, single submitter. Criteria: Ambry Variant Classification Scheme 2023. Collection method: clinical testing. Allele origin: germline.

Labcorp Genetics (formerly Invitae), Labcorp
Classification: Uncertain significance for Neuropathy, hereditary sensory and autonomic, type 2A; Generalized epilepsy with febrile seizures plus, type 7. Last evaluated: 2024-10-06. Review status: criteria provided, single submitter. Criteria: Invitae Variant Classification Sherloc (09022015). Collection method: clinical testing. Allele origin: germline.
Comment: This sequence change replaces valine, which is neutral and non-polar, with isoleucine, which is neutral and non-polar, at codon 1898 of the SCN9A protein (p.Val1898Ile). This variant is not present in population databases (gnomAD no frequency). This variant has not been reported in the literature in individuals affected with SCN9A-related conditions. ClinVar contains an entry for this variant (Variation ID: 948833). Invitae Evidence Modeling of protein sequence and biophysical properties (such as structural, functional, and spatial information, amino acid conservation, physicochemical variation, residue mobility, and thermodynamic stability) indicates that this missense variant is not expected to disrupt SCN9A protein function with a negative predictive value of 95%. In summary, the available evidence is currently insufficient to determine the role of this variant in disease. Therefore, it has been classified as a Variant of Uncertain Significance.